The following is an entry in ClinVar:

ClinVar aggregate classification (germline): Uncertain significance (1 of 4 stars; one submission).

Submission:

Labcorp Genetics (formerly Invitae), Labcorp
Classification: Uncertain significance. Last evaluated: 2025-10-16. Review status: criteria provided, single submitter. Criteria: Invitae Variant Classification Sherloc (09022015). Collection method: clinical testing. Allele origin: germline.
Comment: This sequence change replaces proline, which is neutral and non-polar, with leucine, which is neutral and non-polar, at codon 1269 of the HMCN1 protein (p.Pro1269Leu). This variant is not present in population databases (gnomAD no frequency). This variant has not been reported in the literature in individuals affected with HMCN1-related conditions. An algorithm developed to predict the effect of missense changes on protein structure and function (PolyPhen-2) suggests that this variant is likely to be disruptive. In summary, the available evidence is currently insufficient to determine the role of this variant in disease. Therefore, it has been classified as a Variant of Uncertain Significance.

NM_031935.3(HMCN1):c.3806C>T (p.Pro1269Leu)

Gene: HMCN1 (hemicentin 1; plus strand). Cytogenetic location: 1q31.1.
Variant type: single nucleotide variant.
Coding change: c.3806C>T on transcript NM_031935.3 (MANE Select); coding-DNA position 3806, C replaced by T.
Protein change: p.Pro1269Leu; replaces proline 1269 with leucine.
Molecular consequence: missense variant.
Genome position (GRCh38, 1-based): chr1:185,997,456, C>T. VCF-style: chr1-185997456-C-T. GRCh37 (hg19) VCF-style: chr1-185966588-C-T.
Other names: short protein forms P1269L.
Identifiers: ClinVar variation 4728977 (VCV004728977.1).
Genomic context (GRCh38, chr1:185,997,456, plus strand): 5'-AAGCCTGTGATAATGCATTTATTTTCCTAATAGAACCACCCACAGTGGAAGATCTAGAAC[C>T]TCCATATAACACTACTTTCCAAGAAAGAGTGGCCAATCAACGCATTGAATTTCCATGTCC-3'
Protein context (NP_114141.2, residues 1259-1279): QEPPTVEDLE[Pro1269Leu]PYNTTFQERV